The following is an entry in ClinVar:

ClinVar aggregate classification (germline): Uncertain significance (1 of 4 stars; one submission).

Conditions:
Hereditary cancer-predisposing syndrome. Also called: Tumor predisposition; Neoplastic Syndromes, Hereditary; Hereditary Cancer Syndrome; Hereditary neoplastic syndrome. Identifiers: Orphanet 140162, MedGen C0027672, MeSH D009386, MONDO:0015356.

gnomAD v4.1: 1 of 1,614,040 alleles (0.000062%); highest among the groups gnomAD compares: East Asian, 0.0022%; no homozygotes.

Submission:

Ambry Genetics
Classification: Uncertain significance for Hereditary cancer-predisposing syndrome. Last evaluated: 2025-02-01. Review status: criteria provided, single submitter. Criteria: Ambry Variant Classification Scheme 2023. Collection method: clinical testing. Allele origin: germline.
Comment: The p.T131N variant (also known as c.392C>A), located in coding exon 3 of the APC gene, results from a C to A substitution at nucleotide position 392. The threonine at codon 131 is replaced by asparagine, an amino acid with similar properties. This amino acid position is conserved. In addition, in silico predictors for this gene do not accurately predict pathogenicity. Based on the available evidence, the clinical significance of this variant remains unclear.

NM_000038.6(APC):c.392C>A (p.Thr131Asn)

Gene: APC (APC regulator of Wnt signaling pathway; plus strand). Cytogenetic location: 5q22.2.
Variant type: single nucleotide variant.
Coding change: c.392C>A on transcript NM_000038.6 (MANE Select); coding-DNA position 392, C replaced by A.
Protein change: p.Thr131Asn; replaces threonine 131 with asparagine.
Molecular consequence: missense variant. On other transcripts: 5 prime UTR variant (4), non-coding transcript variant (2).
Genome position (GRCh38, 1-based): chr5:112,767,360, C>A. VCF-style: chr5-112767360-C-A. GRCh37 (hg19) VCF-style: chr5-112103057-C-A.
Other names: c.392C>A, p.Thr131Asn (NM_001127510.3, NM_001354895.2, NM_001354896.2 and 16 more transcripts); c.422C>A, p.Thr141Asn (NM_001127511.3, NM_001354897.2, NM_001354902.2 and 1 more transcripts); c.317C>A, p.Thr106Asn (NM_001354898.2, NM_001354904.2, NM_001407451.1); c.215C>A, p.Thr72Asn (NM_001354900.2, NM_001354901.2, NM_001354905.2 and 1 more transcripts); c.-644C>A (NM_001354906.2, NM_001407470.1, NM_001407471.1 and 1 more transcripts); short protein forms T106N, T131N, T141N, T72N.
Identifiers: ClinVar variation 3882192 (VCV003882192.1).